The following is an entry in ClinVar:

ClinVar aggregate classification (germline): Conflicting classifications of pathogenicity. Review status: criteria provided, conflicting classifications (1 of 4 stars). 4 submissions from 4 submitters: Pathogenic (1); Likely pathogenic (2); Uncertain significance (1). Last evaluated 2025-11-22.

Conditions:
CLPB-related disorder. Also called: CLPB-related condition.
3-methylglutaconic aciduria, type VIIB (MGCA7B). Also called: 3-methylglutaconic aciduria with cataracts, neurologic involvement and neutropenia; 3-methylglutaconic aciduria, type VII, with cataracts, neurologic involvement and neutropenia; CLPB Deficiency. Identifiers: Orphanet 445038, MedGen C5676893, MONDO:0014561, OMIM 616271.

Allele frequency attached by ClinVar (database versions not stated): gnomAD 0.00001; gnomAD exomes 0.00001; ExAC 0.00002; TOPMed 0.00003.
gnomAD v4.1: 18 of 1,613,992 alleles (0.0011%); highest among the groups gnomAD compares: Non-Finnish European, 0.0014%; no homozygotes.

Submissions (4):

Labcorp Genetics (formerly Invitae), Labcorp
Classification: Pathogenic for 3-methylglutaconic aciduria, type VIIB. Last evaluated: 2025-11-22. Review status: criteria provided, single submitter. Criteria: Invitae Variant Classification Sherloc (09022015). Collection method: clinical testing. Allele origin: germline.
Comment: This sequence change creates a premature translational stop signal (p.Trp230*) in the CLPB gene. It is expected to result in an absent or disrupted protein product. Loss-of-function variants in CLPB are known to be pathogenic (PMID: 25597510, 28687938). This variant is present in population databases (rs780554501, gnomAD 0.004%). This variant has not been reported in the literature in individuals affected with CLPB-related conditions. ClinVar contains an entry for this variant (Variation ID: 851107). Algorithms developed to predict the effect of sequence changes on RNA splicing suggest that this variant may disrupt the consensus splice site. For these reasons, this variant has been classified as Pathogenic.

GeneDx
Classification: Uncertain significance. Last evaluated: 2025-06-12. Review status: criteria provided, single submitter. Criteria: GeneDx Variant Classification Process June 2021. Collection method: clinical testing. Allele origin: germline. Affected: yes.
Comment: Nonsense variant predicted to result in protein truncation or nonsense mediated decay in a gene for which loss of function is a known mechanism of disease; Has not been previously published as pathogenic or benign to our knowledge

Genetic Services Laboratory, University of Chicago
Classification: Likely pathogenic. Last evaluated: 2024-09-13. Review status: criteria provided, single submitter. Criteria: ACMG Guidelines, 2015. Collection method: clinical testing. Allele origin: germline. Affected: yes.
Comment: DNA sequence analysis of the CLPB gene demonstrated a sequence change, c.690G>A, which results in the creation of a premature stop codon at amino acid position 230, p.Trp230*. This sequence change is predicted to result in an abnormal transcript, which may be degraded, or may lead to the production of a truncated CLPB protein with potentially abnormal function. This sequence change has been described in the gnomAD database with a frequency of 0.0014% in the European non-finnish subpopulation (dbSNP rs780554501). This sequence change has not been previously described in individuals with CLPB-related disorders. However, several other loss of function variants have been described in this gene in individuals with 3-methylglutaconic aciduria type VIIB and have been reported to be pathogenic (PMID: 25597510, 28687938). These collective evidences indicate that this sequence change is likely pathogenic, however functional studies have not been performed to prove this conclusively.

Blueprint Genetics
Classification: Likely pathogenic for CLPB-related disorders. Last evaluated: 2023-10-02. Review status: criteria provided, single submitter. Criteria: ACMG Guidelines, 2015. Collection method: clinical testing. Allele origin: germline. Affected: yes. Observed: 3 variant alleles.

Literature cited by the submitters: PubMed 25597510 (cited by Labcorp Genetics (formerly Invitae), Labcorp); PubMed 28687938 (cited by Labcorp Genetics (formerly Invitae), Labcorp).

NM_030813.6(CLPB):c.690G>A (p.Trp230Ter)

Gene: CLPB (ClpB family mitochondrial disaggregase; minus strand). Cytogenetic location: 11q13.4.
Variant type: single nucleotide variant.
Coding change: c.690G>A on transcript NM_030813.6 (MANE Plus Clinical); coding-DNA position 690, G replaced by A.
Protein change: p.Trp230Ter; replaces tryptophan 230 with a stop codon.
Molecular consequence: nonsense. On other transcripts: intron variant (2).
Genome position (GRCh38, 1-based): chr11:72,372,971, C>T on the plus strand (G>A on the coding strand, the complement: CLPB is on the minus strand). VCF-style: chr11-72372971-C-T. GRCh37 (hg19) VCF-style: chr11-72084015-C-T.
Other names: c.555G>A, p.Trp185Ter (NM_001258394.3); c.559+7310G>A (NM_001258393.3); c.646+7310G>A (NM_001258392.3); short protein forms W230*, W185*.
Identifiers: ClinVar variation 851107 (VCV000851107.12), dbSNP rs780554501, ClinGen allele CA6171471.